The following is an entry in ClinVar:

NM_052865.4(MGME1):c.971G>A (p.Arg324Gln)

Gene: MGME1 (mitochondrial genome maintenance exonuclease 1; plus strand). Cytogenetic location: 20p11.23.
Variant type: single nucleotide variant.
Coding change: c.971G>A on transcript NM_052865.4 (MANE Select); coding-DNA position 971, G replaced by A.
Protein change: p.Arg324Gln; replaces arginine 324 with glutamine.
Molecular consequence: missense variant. On other transcripts: synonymous variant (1).
Genome position (GRCh38, 1-based): chr20:17,990,045, G>A. VCF-style: chr20-17990045-G-A. GRCh37 (hg19) VCF-style: chr20-17970688-G-A.
Other names: c.1016G>A, p.Arg339Gln (NM_001310338.2); c.618G>A, p.Ser206= (NM_001310339.2); c.731G>A, p.Arg244Gln (NM_001363738.2); short protein forms R244Q, R324Q, R339Q.
Identifiers: ClinVar variation 1707835 (VCV001707835.4), dbSNP rs373358887, ClinGen allele CA9775083.

ClinVar aggregate classification (germline): Uncertain significance. Review status: criteria provided, multiple submitters, no conflicts (2 of 4 stars). 3 submissions from 3 submitters: Uncertain significance (3). Last evaluated 2025-07-12.

Conditions:
Inborn genetic diseases. Identifiers: MedGen C0950123, MeSH D030342.

Allele frequency attached by ClinVar (database versions not stated): gnomAD exomes 0.00007; ESP Exome Variant Server 0.00015; gnomAD 0.00005; TOPMed 0.00005; ExAC 0.00006.
gnomAD v4.1: 112 of 1,613,506 alleles (0.0069%); highest among the groups gnomAD compares: Non-Finnish European, 0.0088%; no homozygotes.

Submissions (3):

Ambry Genetics
Classification: Uncertain significance for Inborn genetic diseases. Last evaluated: 2025-07-12. Review status: criteria provided, single submitter. Criteria: Ambry Variant Classification Scheme 2023. Collection method: clinical testing. Allele origin: germline.

GeneDx
Classification: Uncertain significance. Last evaluated: 2022-09-22. Review status: criteria provided, single submitter. Criteria: GeneDx Variant Classification Process June 2021. Collection method: clinical testing. Allele origin: germline. Affected: yes.
Comment: Not observed at significant frequency in large population cohorts (gnomAD); In silico analysis supports that this missense variant has a deleterious effect on protein structure/function; Has not been previously published as pathogenic or benign to our knowledge

Labcorp Genetics (formerly Invitae), Labcorp
Classification: Uncertain significance. Last evaluated: 2022-06-20. Review status: criteria provided, single submitter. Criteria: Invitae Variant Classification Sherloc (09022015). Collection method: clinical testing. Allele origin: germline.
Comment: This sequence change replaces arginine, which is basic and polar, with glutamine, which is neutral and polar, at codon 324 of the MGME1 protein (p.Arg324Gln). This variant is present in population databases (rs373358887, gnomAD 0.01%). This variant has not been reported in the literature in individuals affected with MGME1-related conditions. Algorithms developed to predict the effect of missense changes on protein structure and function are either unavailable or do not agree on the potential impact of this missense change (SIFT: "Deleterious"; PolyPhen-2: "Probably Damaging"; Align-GVGD: "Class C0"). In summary, the available evidence is currently insufficient to determine the role of this variant in disease. Therefore, it has been classified as a Variant of Uncertain Significance.